The following is an entry in ClinVar:

ClinVar aggregate classification (germline): Conflicting classifications of pathogenicity. Review status: criteria provided, conflicting classifications (1 of 4 stars). 3 submissions from 3 submitters: Uncertain significance (1); Likely benign (2). Last evaluated 2025-12-08.

Conditions:
Alstrom syndrome (ALMS). Identifiers: Orphanet 64, MedGen C0268425, MONDO:0008763, OMIM 203800.
Cardiovascular phenotype. Identifiers: MedGen CN230736.

Allele frequency attached by ClinVar (database versions not stated): gnomAD exomes below 0.00001 and 0.00001; ExAC 0.00001; gnomAD 0.00005 and 0.00006; TOPMed 0.00005.
gnomAD v4.1: 16 of 1,614,002 alleles (0.00099%); highest among the groups gnomAD compares: Admixed American, 0.01%; no homozygotes.

Submissions (3):

Labcorp Genetics (formerly Invitae), Labcorp
Classification: Likely benign for Alstrom syndrome. Last evaluated: 2025-12-08. Review status: criteria provided, single submitter. Criteria: Invitae Variant Classification Sherloc (09022015). Collection method: clinical testing. Allele origin: germline.

Ambry Genetics
Classification: Likely benign for Cardiovascular phenotype. Last evaluated: 2024-04-13. Review status: criteria provided, single submitter. Criteria: Ambry Variant Classification Scheme 2023. Collection method: clinical testing. Allele origin: germline.

GeneDx
Classification: Uncertain significance. Last evaluated: 2021-04-02. Review status: criteria provided, single submitter. Criteria: GeneDx Variant Classification Process June 2021. Collection method: clinical testing. Allele origin: germline. Affected: yes.
Comment: Not observed at a significant frequency in large population cohorts (Lek et al., 2016); Has not been previously published as pathogenic or benign to our knowledge; In-silico analysis, which includes splice predictors and evolutionary conservation, is inconclusive as to whether the variant alters gene splicing. In the absence of RNA/functional studies, the actual effect of this sequence change is unknown.

NM_001378454.1(ALMS1):c.12093A>G (p.Pro4031=)

Genes: ALMS1 (ALMS1 centrosome and basal body associated protein; plus strand), LOC126806252 (BRD4-independent group 4 enhancer GRCh37_chr2:73828496-73829695; plus strand). Cytogenetic location: 2p13.1.
Variant type: single nucleotide variant.
Coding change: c.12093A>G on transcript NM_001378454.1 (MANE Select); coding-DNA position 12093, A replaced by G.
Protein change: p.Pro4031=; no amino-acid change (proline 4031 retained).
Molecular consequence: synonymous variant.
Genome position (GRCh38, 1-based): chr2:73,601,415, A>G. VCF-style: chr2-73601415-A-G. GRCh37 (hg19) VCF-style: chr2-73828542-A-G.
Other names: c.12096A>G, p.Pro4032= (NM_015120.4).
Identifiers: ClinVar variation 1111812 (VCV001111812.11), dbSNP rs758682688, ClinGen allele CA1715422.